The following is an entry in ClinVar:

NM_020549.5(CHAT):c.789G>A (p.Leu263=)

Gene: CHAT (choline O-acetyltransferase; plus strand). Cytogenetic location: 10q11.23.
Variant type: single nucleotide variant.
Coding change: c.789G>A on transcript NM_020549.5 (MANE Select); coding-DNA position 789, G replaced by A.
Protein change: p.Leu263=; no amino-acid change (leucine 263 retained).
Molecular consequence: synonymous variant.
Genome position (GRCh38, 1-based): chr10:49,625,509, G>A. VCF-style: chr10-49625509-G-A. GRCh37 (hg19) VCF-style: chr10-50833555-G-A.
Other names: c.435G>A, p.Leu145= (NM_001142929.2, NM_001142934.2, NM_020984.4 and 2 more transcripts); c.543G>A, p.Leu181= (NM_001142933.2).
Identifiers: ClinVar variation 461463 (VCV000461463.39), dbSNP rs114090981, ClinGen allele CA5497271.

ClinVar aggregate classification (germline): Benign/Likely benign. Review status: criteria provided, multiple submitters, no conflicts (2 of 4 stars). 5 submissions from 5 submitters: Benign (1); Likely benign (4). Last evaluated 2026-01-28.

Conditions:
Familial infantile myasthenia (CMS6). Also called: MYASTHENIC SYNDROME, PRESYNAPTIC, CONGENITAL, ASSOCIATED WITH EPISODIC APNEA; MYASTHENIC SYNDROME, CONGENITAL, 6, PRESYNAPTIC; Congenital myasthenic syndrome type 6. Identifiers: Orphanet 590, MedGen C0393929, MONDO:0009689, OMIM 254210.

Allele frequency attached by ClinVar (database versions not stated): ESP Exome Variant Server 0.00115; gnomAD 0.00165 and 0.00172; TOPMed 0.00172; 1000 Genomes Project 30x 0.00187; 1000 Genomes Project 0.00220.
gnomAD v4.1: 600 of 1,613,106 alleles (0.037%); highest among the groups gnomAD compares: African/African-American, 0.62%; 4 homozygotes.

Submissions (5):

Labcorp Genetics (formerly Invitae), Labcorp
Classification: Benign for Familial infantile myasthenia. Last evaluated: 2026-01-28. Review status: criteria provided, single submitter. Criteria: Invitae Variant Classification Sherloc (09022015). Collection method: clinical testing. Allele origin: germline.

Blueprint Genetics
Classification: Likely benign. Last evaluated: 2024-09-23. Review status: criteria provided, single submitter. Criteria: ACMG Guidelines, 2015. Collection method: clinical testing. Allele origin: germline.

CeGaT Center for Human Genetics Tuebingen
Classification: Likely benign. Last evaluated: 2024-09-01. Review status: criteria provided, single submitter. Criteria: CeGaT Center For Human Genetics Tuebingen Variant Classification Criteria Version 2. Collection method: clinical testing. Allele origin: germline. Affected: yes. Observed: 2 variant alleles.
Comment: CHAT: BP4, BP7

GeneDx
Classification: Likely benign. Last evaluated: 2017-03-01. Review status: criteria provided, single submitter. Criteria: GeneDx Variant Classification (06012015). Collection method: clinical testing. Allele origin: germline. Affected: yes.
Comment: This variant is considered likely benign or benign based on one or more of the following criteria: it is a conservative change, it occurs at a poorly conserved position in the protein, it is predicted to be benign by multiple in silico algorithms, and/or has population frequency not consistent with disease.

Breakthrough Genomics
Classification: Likely benign. Review status: criteria provided, single submitter. Criteria: ACMG Guidelines, 2015. Collection method: not provided. Allele origin: germline. Inheritance: Autosomal recessive inheritance. Affected: yes.